The following is an entry in ClinVar:

ClinVar aggregate classification (germline): Pathogenic/Likely pathogenic. Review status: criteria provided, multiple submitters, no conflicts (2 of 4 stars). 6 submissions from 6 submitters: Pathogenic (4); Likely pathogenic (1). 1 of the submissions does not count toward it. Last evaluated 2024-10-04.

Conditions:
ABCA4-related disorder. Also called: ABCA4-related disorders; ABCA4-related condition. Identifiers: MedGen CN239167.
Retinal dystrophy. Also called: Inherited retinal dystrophy. Identifiers: Orphanet 71862, MedGen C0854723, MeSH D058499, MONDO:0019118, HP:0000556.
Cone-rod dystrophy 3 (CORD3). Identifiers: Orphanet 1872, MedGen C1858806, MONDO:0011395, OMIM 604116.
Severe early-childhood-onset retinal dystrophy (STGD1). Also called: Stargardt macular dystrophy; Juvenile onset macular degeneration; Stargardt disease 1; STGD; MACULAR DYSTROPHY WITH FLECKS, TYPE 1. Identifiers: Orphanet 364055, Orphanet 827, MedGen C1855465, MeSH D000080362, MONDO:0009549, OMIM 248200.

Submissions (6):

Dubai Health Genomic Medicine Center, Dubai Health
Classification: Likely pathogenic for Retinal dystrophy. Last evaluated: 2024-10-04. Review status: criteria provided, single submitter. Criteria: ACMG Guidelines, 2015. Collection method: research. Allele origin: germline. Affected: yes.
Comment: PVS1,PM2

Labcorp Genetics (formerly Invitae), Labcorp
Classification: Pathogenic. Last evaluated: 2023-10-02. Review status: criteria provided, single submitter. Criteria: Invitae Variant Classification Sherloc (09022015). Collection method: clinical testing. Allele origin: germline.
Comment: This sequence change creates a premature translational stop signal (p.Gln1523*) in the ABCA4 gene. It is expected to result in an absent or disrupted protein product. Loss-of-function variants in ABCA4 are known to be pathogenic (PMID: 10958761, 24938718, 25312043, 26780318). This variant is not present in population databases (gnomAD no frequency). This premature translational stop signal has been observed in individual(s) with clinical features of ABCA4-related conditions (PMID: 31318848). ClinVar contains an entry for this variant (Variation ID: 522465). For these reasons, this variant has been classified as Pathogenic.

Blueprint Genetics
Classification: Pathogenic for ABCA4-related disorders. Last evaluated: 2023-09-13. Review status: criteria provided, single submitter. Criteria: ACMG Guidelines, 2015. Collection method: clinical testing. Allele origin: germline. Affected: yes. Observed: 2 variant alleles.

Institute of Human Genetics, Univ. Regensburg, Univ. Regensburg
Classification: Pathogenic for Retinal dystrophy. Last evaluated: 2023-01-01. Review status: criteria provided, single submitter. Criteria: ACMG Guidelines, 2015. Collection method: clinical testing. Allele origin: germline. Affected: yes.

MGZ Medical Genetics Center
Classification: Pathogenic for Severe early-childhood-onset retinal dystrophy. Last evaluated: 2022-08-11. Review status: criteria provided, single submitter. Criteria: ACMG Guidelines, 2015. Collection method: clinical testing. Allele origin: germline. Affected: yes. Observed: 1 variant allele.
Comment: ACMG criteria applied: PVS1, PM2_SUP, PM3_SUP

Bioscientia Institut fuer Medizinische Diagnostik GmbH, Sonic Healthcare
Classification: Pathogenic for Cone-rod dystrophy 3. Last evaluated: 2017-09-18. Review status: no assertion criteria provided. Collection method: clinical testing. Allele origin: germline. Affected: yes. Not counted in ClinVar's aggregate classification.

Literature cited by the submitters: PubMed 10958761 (cited by Labcorp Genetics (formerly Invitae), Labcorp); PubMed 24938718 (cited by Labcorp Genetics (formerly Invitae), Labcorp); PubMed 25312043 (cited by Labcorp Genetics (formerly Invitae), Labcorp); PubMed 26780318 (cited by Labcorp Genetics (formerly Invitae), Labcorp); PubMed 31318848 (cited by Labcorp Genetics (formerly Invitae), Labcorp and Institute of Human Genetics, Univ. Regensburg, Univ. Regensburg); PubMed 31725702 (cited by Institute of Human Genetics, Univ. Regensburg, Univ. Regensburg); PubMed 36460718 (cited by Institute of Human Genetics, Univ. Regensburg, Univ. Regensburg).

NM_000350.3(ABCA4):c.4567C>T (p.Gln1523Ter)

Gene: ABCA4 (ATP binding cassette subfamily A member 4; minus strand). Cytogenetic location: 1p22.1.
Variant type: single nucleotide variant.
Coding change: c.4567C>T on transcript NM_000350.3 (MANE Select); coding-DNA position 4567, C replaced by T.
Protein change: p.Gln1523Ter; replaces glutamine 1523 with a stop codon.
Molecular consequence: nonsense.
Genome position (GRCh38, 1-based): chr1:94,025,021, G>A on the plus strand (C>T on the coding strand, the complement: ABCA4 is on the minus strand). VCF-style: chr1-94025021-G-A. GRCh37 (hg19) VCF-style: chr1-94490577-G-A.
Other names: c.4345C>T, p.Gln1449Ter (NM_001425324.1); short protein forms Q1523*, Q1449*.
Identifiers: ClinVar variation 522465 (VCV000522465.14), dbSNP rs1553188916, ClinGen allele CA341284696.